The following is an entry in ClinVar:

ClinVar aggregate classification (germline): Uncertain significance. Review status: criteria provided, multiple submitters, no conflicts (2 of 4 stars). 2 submissions from 2 submitters: Uncertain significance (2). Last evaluated 2025-06-22.

Conditions:
Inborn genetic diseases. Identifiers: MedGen C0950123, MeSH D030342.

Allele frequency attached by ClinVar (database versions not stated): gnomAD exomes below 0.00001.
gnomAD v4.1: 3 of 1,614,110 alleles (0.00019%); highest among the groups gnomAD compares: Non-Finnish European, 0.00025%; no homozygotes.

Submissions (2):

Ambry Genetics
Classification: Uncertain significance for Inborn genetic diseases. Last evaluated: 2025-06-22. Review status: criteria provided, single submitter. Criteria: Ambry Variant Classification Scheme 2023. Collection method: clinical testing. Allele origin: germline.

Labcorp Genetics (formerly Invitae), Labcorp
Classification: Uncertain significance. Last evaluated: 2021-09-17. Review status: criteria provided, single submitter. Criteria: Invitae Variant Classification Sherloc (09022015). Collection method: clinical testing. Allele origin: germline.
Comment: This variant has not been reported in the literature in individuals affected with FN1-related conditions. In summary, the available evidence is currently insufficient to determine the role of this variant in disease. Therefore, it has been classified as a Variant of Uncertain Significance. Algorithms developed to predict the effect of missense changes on protein structure and function are either unavailable or do not agree on the potential impact of this missense change (SIFT: "Not Available"; PolyPhen-2: "Possibly Damaging"; Align-GVGD: "Not Available"). This variant is not present in population databases (ExAC no frequency). This sequence change replaces threonine with alanine at codon 345 of the FN1 protein (p.Thr345Ala). The threonine residue is moderately conserved and there is a small physicochemical difference between threonine and alanine.

NM_212482.4(FN1):c.1033A>G (p.Thr345Ala)

Gene: FN1 (fibronectin 1; minus strand). Cytogenetic location: 2q35.
Variant type: single nucleotide variant.
Coding change: c.1033A>G on transcript NM_212482.4 (MANE Select); coding-DNA position 1033, A replaced by G.
Protein change: p.Thr345Ala; replaces threonine 345 with alanine.
Molecular consequence: missense variant.
Genome position (GRCh38, 1-based): chr2:215,425,097, T>C on the plus strand (A>G on the coding strand, the complement: FN1 is on the minus strand). VCF-style: chr2-215425097-T-C. GRCh37 (hg19) VCF-style: chr2-216289820-T-C.
Other names: c.1033A>G, p.Thr345Ala (NM_001306129.2, NM_001306130.2, NM_001306131.2 and 14 more transcripts); c.1033A>G (NM_212482.1); short protein forms T345A.
Identifiers: ClinVar variation 1388687 (VCV001388687.7), dbSNP rs2106449592, ClinGen allele CA350471794.